The following is an entry in ClinVar:

NM_004181.5(UCHL1):c.17T>C (p.Met6Thr)

Gene: UCHL1 (ubiquitin C-terminal hydrolase L1; plus strand). Cytogenetic location: 4p13.
Variant type: single nucleotide variant.
Coding change: c.17T>C on transcript NM_004181.5 (MANE Select); coding-DNA position 17, T replaced by C.
Protein change: p.Met6Thr; replaces methionine 6 with threonine.
Molecular consequence: missense variant.
Genome position (GRCh38, 1-based): chr4:41,256,993, T>C. VCF-style: chr4-41256993-T-C. GRCh37 (hg19) VCF-style: chr4-41259010-T-C.
Other names: short protein forms M6T.
Identifiers: ClinVar variation 4697236 (VCV004697236.1).

ClinVar aggregate classification (germline): Uncertain significance (1 of 4 stars; one submission).

gnomAD v4.1: 1 of 1,614,138 alleles (0.000062%); highest among the groups gnomAD compares: Non-Finnish European, 0.000085%; no homozygotes.

Submission:

Labcorp Genetics (formerly Invitae), Labcorp
Classification: Uncertain significance. Last evaluated: 2025-08-26. Review status: criteria provided, single submitter. Criteria: Invitae Variant Classification Sherloc (09022015). Collection method: clinical testing. Allele origin: germline.
Comment: This sequence change replaces methionine, which is neutral and non-polar, with threonine, which is neutral and polar, at codon 6 of the UCHL1 protein (p.Met6Thr). This variant is not present in population databases (gnomAD no frequency). This variant has not been reported in the literature in individuals affected with UCHL1-related conditions. An algorithm developed to predict the effect of missense changes on protein structure and function (PolyPhen-2) suggests that this variant is likely to be disruptive. In summary, the available evidence is currently insufficient to determine the role of this variant in disease. Therefore, it has been classified as a Variant of Uncertain Significance.